The following is an entry in ClinVar:

ClinVar aggregate classification (germline): Uncertain significance. Review status: criteria provided, multiple submitters, no conflicts (2 of 4 stars). 2 submissions from 2 submitters: Uncertain significance (2). Last evaluated 2025-09-29.

Conditions:
Common variable immunodeficiency (CVID). Also called: Common variable hypogamma-globulinemia; Common variable agammaglobulinemia. Identifiers: Orphanet 1572, MedGen C0009447, MONDO:0015517.

Allele frequency attached by ClinVar (database versions not stated): ExAC 0.00006; TOPMed 0.00006.
gnomAD v4.1: 159 of 1,613,650 alleles (0.0099%); highest among the groups gnomAD compares: Admixed American, 0.013%; no homozygotes.

Submissions (2):

Labcorp Genetics (formerly Invitae), Labcorp
Classification: Uncertain significance for Common variable immunodeficiency. Last evaluated: 2025-09-29. Review status: criteria provided, single submitter. Criteria: Invitae Variant Classification Sherloc (09022015). Collection method: clinical testing. Allele origin: germline.
Comment: This sequence change replaces arginine, which is basic and polar, with tryptophan, which is neutral and slightly polar, at codon 225 of the TNFSF12 protein (p.Arg225Trp). This variant is present in population databases (rs761260715, gnomAD 0.01%). This variant has not been reported in the literature in individuals affected with TNFSF12-related conditions. ClinVar contains an entry for this variant (Variation ID: 649356). An algorithm developed to predict the effect of missense changes on protein structure and function (PolyPhen-2) suggests that this variant is likely to be tolerated. In summary, the available evidence is currently insufficient to determine the role of this variant in disease. Therefore, it has been classified as a Variant of Uncertain Significance.

Ambry Genetics
Classification: Uncertain significance. Last evaluated: 2023-11-14. Review status: criteria provided, single submitter. Criteria: Ambry Variant Classification Scheme 2023. Collection method: clinical testing. Allele origin: germline.

NM_003809.3(TNFSF12):c.673C>T (p.Arg225Trp)

Genes: TNFSF12-TNFSF13 (TNFSF12-TNFSF13 readthrough; plus strand), TNFSF12 (TNF superfamily member 12; plus strand). Cytogenetic location: 17p13.1.
Variant type: single nucleotide variant.
Coding change: c.673C>T on transcript NM_003809.3 (MANE Select); coding-DNA position 673, C replaced by T.
Protein change: p.Arg225Trp; replaces arginine 225 with tryptophan.
Molecular consequence: missense variant. On other transcripts: non-coding transcript variant (1), intron variant (1).
Genome position (GRCh38, 1-based): chr17:7,557,273, C>T. VCF-style: chr17-7557273-C-T. GRCh37 (hg19) VCF-style: chr17-7460590-C-T.
Other names: c.498+371C>T (NM_172089.4); short protein forms R225W.
Identifiers: ClinVar variation 649356 (VCV000649356.12), dbSNP rs761260715, ClinGen allele CA8350898.
Genomic context (GRCh38, chr17:7,557,273, plus strand): 5'-CCCCAGCTCCGCCTCTGCCAGGTGTCTGGGCTGTTGGCCCTGCGGCCAGGGTCCTCCCTG[C>T]GGATCCGCACCCTCCCCTGGGCCCATCTCAAGGCTGCCCCCTTCCTCACCTACTTCGGAC-3'
Protein context (NP_003800.1, residues 215-235): LLALRPGSSL[Arg225Trp]IRTLPWAHLK